The following is an entry in ClinVar:

ClinVar aggregate classification (germline): Uncertain significance (1 of 4 stars; one submission).

Submission:

Dasa
Classification: Uncertain significance. Last evaluated: 2026-03-21. Review status: criteria provided, single submitter. Criteria: DASA Assertion Criteria. Collection method: clinical testing. Allele origin: germline.
Comment: NM_002578.5(PAK3):c.151A>G (p.Ile51Val) is a missense variant that results in the substitution of isoleucine with valine. This variant is absent from population databases. The currently available literature and clinical evidence are not sufficient to establish a definitive association between this variant and the reported condition. Therefore, this variant is classified as a variant of uncertain significance.

NM_002578.5(PAK3):c.151A>G (p.Ile51Val)

Genes: PAK3 (p21 (RAC1) activated kinase 3; plus strand), LOC130068562 (ATAC-STARR-seq lymphoblastoid active region 29857; plus strand). Cytogenetic location: Xq23.
Variant type: single nucleotide variant.
Coding change: c.151A>G on transcript NM_002578.5 (MANE Select); coding-DNA position 151, A replaced by G.
Protein change: p.Ile51Val; replaces isoleucine 51 with valine.
Molecular consequence: missense variant. On other transcripts: non-coding transcript variant (9).
Genome position (GRCh38, 1-based): chrX:111,123,254, A>G. VCF-style: chrX-111123254-A-G. GRCh37 (hg19) VCF-style: chrX-110366482-A-G.
Other names: c.151A>G, p.Ile51Val (NM_001128166.3, NM_001128167.3, NM_001128168.3 and 12 more transcripts); short protein forms I51V.
Identifiers: ClinVar variation 4885521 (VCV004885521.2).